The following is an entry in ClinVar:

ClinVar aggregate classification (germline): Uncertain significance (1 of 4 stars; one submission).

Conditions:
Early-infantile DEE. Also called: Ohtahara syndrome; Early infantile epileptic encephalopathy with suppression bursts; Early infantile epileptic encephalopathy. Identifiers: Orphanet 1934, MedGen C0393706, MONDO:0800491.

Submission:

Labcorp Genetics (formerly Invitae), Labcorp
Classification: Uncertain significance for Early-infantile DEE. Last evaluated: 2022-02-04. Review status: criteria provided, single submitter. Criteria: Invitae Variant Classification Sherloc (09022015). Collection method: clinical testing. Allele origin: germline.
Comment: This variant has not been reported in the literature in individuals affected with ST3GAL3-related conditions. In summary, the available evidence is currently insufficient to determine the role of this variant in disease. Therefore, it has been classified as a Variant of Uncertain Significance. Algorithms developed to predict the effect of missense changes on protein structure and function are either unavailable or do not agree on the potential impact of this missense change (SIFT: "Tolerated"; PolyPhen-2: "Possibly Damaging"; Align-GVGD: "Class C0"). ClinVar contains an entry for this variant (Variation ID: 850907). This variant is not present in population databases (gnomAD no frequency). This sequence change replaces isoleucine, which is neutral and non-polar, with valine, which is neutral and non-polar, at codon 344 of the ST3GAL3 protein (p.Ile344Val).

NM_006279.5(ST3GAL3):c.1030A>G (p.Ile344Val)

Gene: ST3GAL3 (ST3 beta-galactoside alpha-2,3-sialyltransferase 3; plus strand). Cytogenetic location: 1p34.1.
Variant type: single nucleotide variant.
Coding change: c.1030A>G on transcript NM_006279.5 (MANE Select); coding-DNA position 1030, A replaced by G.
Protein change: p.Ile344Val; replaces isoleucine 344 with valine.
Molecular consequence: missense variant. On other transcripts: non-coding transcript variant (6), intron variant (11).
Genome position (GRCh38, 1-based): chr1:43,920,920, A>G. VCF-style: chr1-43920920-A-G. GRCh37 (hg19) VCF-style: chr1-44386592-A-G.
Other names: c.940A>G, p.Ile314Val (NM_001270459.2); c.937A>G, p.Ile313Val (NM_001270460.2); c.1075A>G, p.Ile359Val (NM_001350619.2, NM_174964.4); c.1030A>G, p.Ile344Val (NM_001350620.2); c.751A>G, p.Ile251Val (NM_001350621.2); c.1237A>G, p.Ile413Val (NM_174963.5); c.1192A>G, p.Ile398Val (NM_174968.5); c.982A>G, p.Ile328Val (NM_174969.4); and 12 more; short protein forms I313V, I328V, I382V, I398V, I413V, I314V, I344V, I251V.
Identifiers: ClinVar variation 850907 (VCV000850907.10), dbSNP rs2082919594, ClinGen allele CA340033254.